The following is an entry in ClinVar:

NM_053025.4(MYLK):c.3339G>C (p.Lys1113Asn)

Gene: MYLK (myosin light chain kinase; minus strand). Cytogenetic location: 3q21.1.
Variant type: single nucleotide variant.
Coding change: c.3339G>C on transcript NM_053025.4 (MANE Select); coding-DNA position 3339, G replaced by C.
Protein change: p.Lys1113Asn; replaces lysine 1113 with asparagine.
Molecular consequence: missense variant.
Genome position (GRCh38, 1-based): chr3:123,700,129, C>G on the plus strand (G>C on the coding strand, the complement: MYLK is on the minus strand). VCF-style: chr3-123700129-C-G. GRCh37 (hg19) VCF-style: chr3-123418976-C-G.
Other names: c.2811G>C, p.Lys937Asn (NM_001321309.2); c.3132G>C, p.Lys1044Asn (NM_053026.4, NM_053028.4); c.3339G>C, p.Lys1113Asn (NM_053027.4); short protein forms K937N, K1044N, K1113N.
Identifiers: ClinVar variation 1730377 (VCV001730377.2), dbSNP rs2061124534, ClinGen allele CA354229207.

ClinVar aggregate classification (germline): Uncertain significance (1 of 4 stars; one submission).

Conditions:
Familial thoracic aortic aneurysm and aortic dissection (TAAD). Also called: Thoracic aortic aneurysms and dissections. Identifiers: Orphanet 91387, MedGen C4707243, MONDO:0019625.

Submission:

Ambry Genetics
Classification: Uncertain significance for Familial thoracic aortic aneurysm and aortic dissection. Last evaluated: 2018-06-07. Review status: criteria provided, single submitter. Criteria: Ambry Variant Classification Scheme 2023. Collection method: clinical testing. Allele origin: germline.
Comment: The p.K1113N variant (also known as c.3339G>C), located in coding exon 15 of the MYLK gene, results from a G to C substitution at nucleotide position 3339. The lysine at codon 1113 is replaced by asparagine, an amino acid with similar properties. This amino acid position is not well conserved in available vertebrate species. In addition, this alteration is predicted to be tolerated by in silico analysis. Since supporting evidence is limited at this time, the clinical significance of this alteration remains unclear.